The following is an entry in ClinVar:

NM_000038.6(APC):c.5543C>A (p.Pro1848His)

Gene: APC (APC regulator of Wnt signaling pathway; plus strand). Cytogenetic location: 5q22.2.
Variant type: single nucleotide variant.
Coding change: c.5543C>A on transcript NM_000038.6 (MANE Select); coding-DNA position 5543, C replaced by A.
Protein change: p.Pro1848His; replaces proline 1848 with histidine.
Molecular consequence: missense variant.
Genome position (GRCh38, 1-based): chr5:112,841,137, C>A. VCF-style: chr5-112841137-C-A. GRCh37 (hg19) VCF-style: chr5-112176834-C-A.
Other names: c.5543C>A (NM_000038.5); c.5543C>A, p.Pro1848His (NM_001127510.3, NM_001354895.2); c.5489C>A, p.Pro1830His (NM_001127511.3); c.5597C>A, p.Pro1866His (NM_001354896.2); c.5573C>A, p.Pro1858His (NM_001354897.2); c.5468C>A, p.Pro1823His (NM_001354898.2); c.5459C>A, p.Pro1820His (NM_001354899.2); c.5420C>A, p.Pro1807His (NM_001354900.2); and 6 more; short protein forms P1565H, P1688H, P1722H, P1747H, P1757H, P1789H, P1807H, P1820H.
Identifiers: ClinVar variation 1009488 (VCV001009488.14), dbSNP rs746943534, ClinGen allele CA042306.

ClinVar aggregate classification (germline): Uncertain significance. Review status: criteria provided, multiple submitters, no conflicts (2 of 4 stars). 4 submissions from 4 submitters: Uncertain significance (4). Last evaluated 2023-12-01.

Conditions:
Hereditary cancer-predisposing syndrome. Also called: Tumor predisposition; Hereditary neoplastic syndrome; Neoplastic Syndromes, Hereditary; Hereditary Cancer Syndrome. Identifiers: Orphanet 140162, MedGen C0027672, MeSH D009386, MONDO:0015356.
Familial adenomatous polyposis 1 (FAP1). Also called: FAMILIAL ADENOMATOUS POLYPOSIS 1, ATTENUATED; POLYPOSIS, ADENOMATOUS INTESTINAL. Identifiers: MedGen C2713442, MONDO:0021056, OMIM 175100. Disease mechanism: loss of function.
Classic or attenuated familial adenomatous polyposis. Identifiers: MedGen CN372698, MONDO:0021057.

Allele frequency attached by ClinVar (database versions not stated): gnomAD exomes below 0.00001; ExAC 0.00001.
gnomAD v4.1: 1 of 1,612,674 alleles (0.000062%); highest among the groups gnomAD compares: Non-Finnish European, 0.000085%; no homozygotes.

Submissions (4):

All of Us Research Program, National Institutes of Health
Classification: Uncertain significance for Classic or attenuated familial adenomatous polyposis. Last evaluated: 2023-12-01. Review status: criteria provided, single submitter. Criteria: ACMG Guidelines, 2015. Collection method: clinical testing. Allele origin: germline. Inheritance: Autosomal dominant inheritance. Observed: 1 variant allele, 1 heterozygote.
Comment: This study involves interpretation of variants in research participants for the purpose of population health screening. Participant phenotype was not available at the time of variant classification. Additional details can be found in publication PMID: 35346344, PMCID: PMC8962531

Baylor Genetics
Classification: Uncertain significance for Familial adenomatous polyposis 1. Last evaluated: 2023-05-04. Review status: criteria provided, single submitter. Criteria: ACMG Guidelines, 2015. Collection method: clinical testing. Allele origin: unknown.

Ambry Genetics
Classification: Uncertain significance for Hereditary cancer-predisposing syndrome. Last evaluated: 2023-05-02. Review status: criteria provided, single submitter. Criteria: Ambry Variant Classification Scheme 2023. Collection method: clinical testing. Allele origin: germline.
Comment: The p.P1848H variant (also known as c.5543C>A), located in coding exon 15 of the APC gene, results from a C to A substitution at nucleotide position 5543. The proline at codon 1848 is replaced by histidine, an amino acid with similar properties. This amino acid position is conserved. In addition, in silico predictors for this gene do not accurately predict pathogenicity. Since supporting evidence is limited at this time, the clinical significance of this alteration remains unclear.

Labcorp Genetics (formerly Invitae), Labcorp
Classification: Uncertain significance for Familial adenomatous polyposis 1. Last evaluated: 2018-05-26. Review status: criteria provided, single submitter. Criteria: Invitae Variant Classification Sherloc (09022015). Collection method: clinical testing. Allele origin: germline.
Comment: This variant is present in population databases (rs746943534, ExAC 0.002%). This variant has not been reported in the literature in individuals with APC-related disease. This sequence change replaces proline with histidine at codon 1848 of the APC protein (p.Pro1848His). The proline residue is highly conserved and there is a moderate physicochemical difference between proline and histidine. Algorithms developed to predict the effect of missense changes on protein structure and function (SIFT, PolyPhen-2, Align-GVGD) all suggest that this variant is likely to be disruptive, but these predictions have not been confirmed by published functional studies and their clinical significance is uncertain. In summary, the available evidence is currently insufficient to determine the role of this variant in disease. Therefore, it has been classified as a Variant of Uncertain Significance.